The following is an entry in ClinVar:

NM_022552.5(DNMT3A):c.1435C>T (p.Leu479=)

Gene: DNMT3A (DNA methyltransferase 3 alpha; minus strand). Cytogenetic location: 2p23.3.
Variant type: single nucleotide variant.
Coding change: c.1435C>T on transcript NM_022552.5 (MANE Select); coding-DNA position 1435, C replaced by T.
Protein change: p.Leu479=; no amino-acid change (leucine 479 retained).
Molecular consequence: synonymous variant. On other transcripts: non-coding transcript variant (1).
Genome position (GRCh38, 1-based): chr2:25,246,059, G>A on the plus strand (C>T on the coding strand, the complement: DNMT3A is on the minus strand). VCF-style: chr2-25246059-G-A. GRCh37 (hg19) VCF-style: chr2-25468928-G-A.
Other names: c.868C>T, p.Leu290= (NM_153759.3); c.1435C>T, p.Leu479= (NM_175629.2); c.979C>T, p.Leu327= (NM_001320893.1); c.766C>T, p.Leu256= (NM_001375819.1).
Identifiers: ClinVar variation 4870025 (VCV004870025.2).
Genomic context (GRCh38, chr2:25,246,059, plus strand): 5'-GTTCCCAGGCAACAAACTTACCCTCAATGTTCCGGCACTTCTGCCGCACCTCGTACACCA[G>A]CCGCTCTGCAAGGGGAGGAGAGCTGGCGTCAGAGGAGGCCGCGCCTGCTCCTCGGATGCA-3'
Protein context (NP_072046.2, residues 469-489): EIIDERTRER[Leu479=]VYEVRQKCRN

ClinVar aggregate classification (germline): Likely benign. Review status: criteria provided, multiple submitters, no conflicts (2 of 4 stars). 2 submissions from 2 submitters: Likely benign (2). Last evaluated 2026-05-14.

Conditions:
DNMT3A-related disorder. Also called: DNMT3A-related disorders; DNMT3A-related condition.
Inborn genetic diseases. Identifiers: MedGen C0950123, MeSH D030342.

Submissions (2):

Ambry Genetics
Classification: Likely benign for Inborn genetic diseases. Last evaluated: 2026-05-14. Review status: criteria provided, single submitter. Criteria: Ambry Variant Classification Scheme 2023. Collection method: clinical testing. Allele origin: germline.

PreventionGenetics, part of Exact Sciences
Classification: Likely benign for DNMT3A-related condition. Last evaluated: 2025-05-29. Review status: criteria provided, single submitter. Criteria: ACMG Guidelines, 2015. Collection method: clinical testing. Allele origin: germline.
Comment: This variant is classified as likely benign based on ACMG/AMP sequence variant interpretation guidelines (Richards et al. 2015 PMID: 25741868, with internal and published modifications).